The following is an entry in ClinVar:

ClinVar aggregate classification (germline): Uncertain significance. Review status: criteria provided, multiple submitters, no conflicts (2 of 4 stars). 2 submissions from 2 submitters: Uncertain significance (2). Last evaluated 2025-09-01.

Conditions:
Hereditary cancer-predisposing syndrome. Also called: Neoplastic Syndromes, Hereditary; Tumor predisposition; Hereditary Cancer Syndrome; Hereditary neoplastic syndrome. Identifiers: Orphanet 140162, MedGen C0027672, MeSH D009386, MONDO:0015356.
Familial cancer of breast. Also called: BREAST CANCER, FAMILIAL; hereditary breast carcinoma; Hereditary breast cancer. Identifiers: Orphanet 227535, MedGen C0346153, MONDO:0016419, OMIM 114480. Disease mechanism: loss of function.

Submissions (2):

Labcorp Genetics (formerly Invitae), Labcorp
Classification: Uncertain significance for Familial cancer of breast. Last evaluated: 2025-09-01. Review status: criteria provided, single submitter. Criteria: Invitae Variant Classification Sherloc (09022015). Collection method: clinical testing. Allele origin: germline.
Comment: This sequence change replaces glutamine, which is neutral and polar, with histidine, which is basic and polar, at codon 692 of the PALB2 protein (p.Gln692His). This variant is not present in population databases (gnomAD no frequency). This variant has not been reported in the literature in individuals affected with PALB2-related conditions. ClinVar contains an entry for this variant (Variation ID: 233626). Invitae Evidence Modeling of protein sequence and biophysical properties (such as structural, functional, and spatial information, amino acid conservation, physicochemical variation, residue mobility, and thermodynamic stability) indicates that this missense variant is expected to disrupt PALB2 protein function with a positive predictive value of 80%. In summary, the available evidence is currently insufficient to determine the role of this variant in disease. Therefore, it has been classified as a Variant of Uncertain Significance.

Ambry Genetics
Classification: Uncertain significance for Hereditary cancer-predisposing syndrome. Last evaluated: 2023-05-10. Review status: criteria provided, single submitter. Criteria: Ambry Variant Classification Scheme 2023. Collection method: clinical testing. Allele origin: germline.
Comment: The p.Q692H variant (also known as c.2076G>C), located in coding exon 5 of the PALB2 gene, results from a G to C substitution at nucleotide position 2076. The glutamine at codon 692 is replaced by histidine, an amino acid with highly similar properties. This amino acid position is not well conserved in available vertebrate species. In addition, this alteration is predicted to be tolerated by in silico analysis. Since supporting evidence is limited at this time, the clinical significance of this alteration remains unclear.

NM_024675.4(PALB2):c.2076G>C (p.Gln692His)

Gene: PALB2 (partner and localizer of BRCA2; minus strand). Cytogenetic location: 16p12.2.
Variant type: single nucleotide variant.
Coding change: c.2076G>C on transcript NM_024675.4 (MANE Select); coding-DNA position 2076, G replaced by C.
Protein change: p.Gln692His; replaces glutamine 692 with histidine.
Molecular consequence: missense variant.
Genome position (GRCh38, 1-based): chr16:23,630,078, C>G on the plus strand (G>C on the coding strand, the complement: PALB2 is on the minus strand). VCF-style: chr16-23630078-C-G. GRCh37 (hg19) VCF-style: chr16-23641399-C-G.
Other names: short protein forms Q692H.
Identifiers: ClinVar variation 233626 (VCV000233626.7), dbSNP rs876660531, ClinGen allele CA10579987.